The following is an entry in ClinVar:

NM_017780.4(CHD7):c.3041G>A (p.Gly1014Glu)

Gene: CHD7 (chromodomain helicase DNA binding protein 7; plus strand). Cytogenetic location: 8q12.2.
Variant type: single nucleotide variant.
Coding change: c.3041G>A on transcript NM_017780.4 (MANE Select); coding-DNA position 3041, G replaced by A.
Protein change: p.Gly1014Glu; replaces glycine 1014 with glutamic acid.
Molecular consequence: missense variant. On other transcripts: intron variant (1).
Genome position (GRCh38, 1-based): chr8:60,822,586, G>A. VCF-style: chr8-60822586-G-A. GRCh37 (hg19) VCF-style: chr8-61735145-G-A.
Other names: c.1717-39643G>A (NM_001316690.1); short protein forms G1014E.
Identifiers: ClinVar variation 2125936 (VCV002125936.4), dbSNP rs2487811547, ClinGen allele CA371309466.

ClinVar aggregate classification (germline): Uncertain significance (1 of 4 stars; one submission).

Conditions:
CHARGE syndrome (CHARGE). Also called: Hittner Hirsch Kreh syndrome; CHARGE ASSOCIATION--COLOBOMA, HEART ANOMALY, CHOANAL ATRESIA, RETARDATION, GENITAL AND EAR ANOMALIES; Coloboma, heart anomaly, choanal atresia, retardation, genital and ear anomalies; CHARGE association; Hall-Hittner syndrome. Identifiers: Orphanet 138, MedGen C0265354, MONDO:0008965.

Submission:

Labcorp Genetics (formerly Invitae), Labcorp
Classification: Uncertain significance for CHARGE syndrome. Last evaluated: 2024-02-24. Review status: criteria provided, single submitter. Criteria: Invitae Variant Classification Sherloc (09022015). Collection method: clinical testing. Allele origin: germline.
Comment: This sequence change replaces glycine, which is neutral and non-polar, with glutamic acid, which is acidic and polar, at codon 1014 of the CHD7 protein (p.Gly1014Glu). This variant is not present in population databases (gnomAD no frequency). This variant has not been reported in the literature in individuals affected with CHD7-related conditions. ClinVar contains an entry for this variant (Variation ID: 2125936). Advanced modeling of protein sequence and biophysical properties (such as structural, functional, and spatial information, amino acid conservation, physicochemical variation, residue mobility, and thermodynamic stability) performed at Invitae indicates that this missense variant is expected to disrupt CHD7 protein function with a positive predictive value of 95%. In summary, the available evidence is currently insufficient to determine the role of this variant in disease. Therefore, it has been classified as a Variant of Uncertain Significance.